The following is an entry in ClinVar:

ClinVar aggregate classification (germline): Uncertain significance. Review status: criteria provided, multiple submitters, no conflicts (2 of 4 stars). 4 submissions from 4 submitters: Uncertain significance (3). 1 of the submissions does not count toward it. Last evaluated 2025-08-08.

Conditions:
Inborn genetic diseases. Identifiers: MedGen C0950123, MeSH D030342.
Cohen syndrome (COH1). Also called: PEPPER SYNDROME; Cutis verticis gyrata, retinitis pigmentosa, and sensorineural deafness. Identifiers: Orphanet 193, MedGen C0265223, MONDO:0008999, OMIM 216550.
VPS13B-related disorder. Also called: VPS13B-related condition.

Allele frequency attached by ClinVar (database versions not stated): gnomAD 0.00002; TOPMed 0.00003; ESP Exome Variant Server 0.00008; gnomAD exomes below 0.00001 and 0.00001; ExAC 0.00001.
gnomAD v4.1: 8 of 1,612,810 alleles (0.0005%); highest among the groups gnomAD compares: African/African-American, 0.0067%; no homozygotes.

Submissions (4):

Ambry Genetics
Classification: Uncertain significance for Inborn genetic diseases. Last evaluated: 2025-08-08. Review status: criteria provided, single submitter. Criteria: Ambry Variant Classification Scheme 2023. Collection method: clinical testing. Allele origin: germline.

PreventionGenetics, part of Exact Sciences
Classification: Uncertain significance for VPS13B-related condition. Last evaluated: 2025-03-19. Review status: criteria provided, single submitter. Criteria: ACMG Guidelines, 2015. Collection method: clinical testing. Allele origin: germline.
Comment: The VPS13B c.2243A>G variant is predicted to result in the amino acid substitution p.Asp748Gly. To our knowledge, this variant has not been reported in the literature. This variant is reported in 0.012% of alleles in individuals of African descent in gnomAD. At this time, the clinical significance of this variant is uncertain due to the absence of conclusive functional and genetic evidence.

Labcorp Genetics (formerly Invitae), Labcorp
Classification: Uncertain significance for Cohen syndrome. Last evaluated: 2022-09-27. Review status: criteria provided, single submitter. Criteria: Invitae Variant Classification Sherloc (09022015). Collection method: clinical testing. Allele origin: germline.
Comment: This sequence change replaces aspartic acid, which is acidic and polar, with glycine, which is neutral and non-polar, at codon 748 of the VPS13B protein (p.Asp748Gly). This variant is present in population databases (rs145988999, gnomAD 0.01%). This variant has not been reported in the literature in individuals affected with VPS13B-related conditions. ClinVar contains an entry for this variant (Variation ID: 838236). Advanced modeling of protein sequence and biophysical properties (such as structural, functional, and spatial information, amino acid conservation, physicochemical variation, residue mobility, and thermodynamic stability) performed at Invitae indicates that this missense variant is expected to disrupt VPS13B protein function. In summary, the available evidence is currently insufficient to determine the role of this variant in disease. Therefore, it has been classified as a Variant of Uncertain Significance.

Natera, Inc.
Classification: Uncertain significance for Cohen syndrome. Last evaluated: 2020-09-16. Review status: no assertion criteria provided. Collection method: clinical testing. Allele origin: germline. Not counted in ClinVar's aggregate classification.

NM_152564.5(VPS13B):c.2243A>G (p.Asp748Gly)

Gene: VPS13B (vacuolar protein sorting 13 homolog B; plus strand). Cytogenetic location: 8q22.2.
Variant type: single nucleotide variant.
Coding change: c.2243A>G on transcript NM_152564.5 (MANE Select); coding-DNA position 2243, A replaced by G.
Protein change: p.Asp748Gly; replaces aspartic acid 748 with glycine.
Molecular consequence: missense variant.
Genome position (GRCh38, 1-based): chr8:99,170,073, A>G. VCF-style: chr8-99170073-A-G. GRCh37 (hg19) VCF-style: chr8-100182301-A-G.
Other names: c.2243A>G (NM_152564.4, NM_017890.3); c.2243A>G, p.Asp748Gly (NM_015243.3, NM_017890.5); short protein forms D748G.
Identifiers: ClinVar variation 838236 (VCV000838236.9), dbSNP rs145988999, ClinGen allele CA4822858.
Genomic context (GRCh38, chr8:99,170,073, plus strand): 5'-ACTTGCATCTTTTCTTTTTGTTTTAGATATTTGGTTTCCAGGCAGGACTGACGTCTTTGG[A>G]TTGCAGTGGATCTTACTGCTTACCTGTACCAGTTATTCCCTCTTTCAGCACTGCTCTTTA-3'
Protein context (NP_689777.3, residues 738-758): FGFQAGLTSL[Asp748Gly]CSGSYCLPVP